The following is an entry in ClinVar:

NM_014254.3(RXYLT1):c.641del (p.Phe214fs)

Gene: RXYLT1 (ribitol xylosyltransferase 1; plus strand). Cytogenetic location: 12q14.2.
Variant type: Deletion.
Coding change: c.641del on transcript NM_014254.3 (MANE Select); coding-DNA position 641, one base deleted (T; older notation c.641delT).
Protein change: p.Phe214fs; shifts the reading frame from phenylalanine 214.
Molecular consequence: frameshift variant. On other transcripts: 5 prime UTR variant (1).
Genome position (GRCh38, 1-based): chr12:63,802,303, T deleted; the last of 2 consecutive T bases (chr12:63,802,302-63,802,303); deleting either gives the same sequence. VCF-style (leftmost placement, unchanged base first): chr12-63802301-AT-A. GRCh37 (hg19) VCF-style: chr12-64196081-AT-A.
Other names: c.-140del (NM_001278237.2); short protein forms F214fs.
Identifiers: ClinVar variation 597876 (VCV000597876.12), dbSNP rs1354951198, ClinGen allele CA385658082.

ClinVar aggregate classification (germline): Pathogenic/Likely pathogenic. Review status: criteria provided, multiple submitters, no conflicts (2 of 4 stars). 3 submissions from 3 submitters: Pathogenic (2); Likely pathogenic (1). Last evaluated 2023-11-21.

Submissions (3):

Labcorp Genetics (formerly Invitae), Labcorp
Classification: Pathogenic. Last evaluated: 2023-11-21. Review status: criteria provided, single submitter. Criteria: Invitae Variant Classification Sherloc (09022015). Collection method: clinical testing. Allele origin: germline.
Comment: This sequence change creates a premature translational stop signal (p.Phe214Serfs*14) in the RXYLT1 gene. It is expected to result in an absent or disrupted protein product. Loss-of-function variants in RXYLT1 are known to be pathogenic (PMID: 23217329, 23519211, 31742715). This variant is present in population databases (no rsID available, gnomAD 0.003%). This variant has not been reported in the literature in individuals affected with RXYLT1-related conditions. ClinVar contains an entry for this variant (Variation ID: 597876). For these reasons, this variant has been classified as Pathogenic.

GeneDx
Classification: Likely pathogenic. Last evaluated: 2019-02-28. Review status: criteria provided, single submitter. Criteria: GeneDx Variant Classification (06012015). Collection method: clinical testing. Allele origin: germline. Affected: yes.
Comment: A variant that is likely pathogenic has been identified in the TMEM5 gene. The c.641delT variant has not been published as a pathogenic variant, nor has it been reported as a benign variant to our knowledge. The c.641delT variant in the TMEM5 gene causes a frameshift starting with codon Phenylalanine 214, changes this amino acid to a Serine residue and creates a premature Stop codon at position 14 of the new reading frame, denoted p.Phe214SerfsX14. This frameshift variant is predicted to cause loss of normal protein function either through protein truncation or nonsense-mediated mRNA decay. The c.641delT variant is not observed at a significant frequency in large population cohorts (Lek et al., 2016). Therefore, this variant is likely pathogenic; however, the possibility that it is benign cannot be excluded.

Eurofins Ntd Llc (ga)
Classification: Pathogenic. Last evaluated: 2018-06-29. Review status: criteria provided, single submitter. Criteria: EGL ClinVar v180209 classification definitions. Collection method: clinical testing. Allele origin: germline.

Literature cited by the submitters: PubMed 23217329 (cited by Labcorp Genetics (formerly Invitae), Labcorp); PubMed 23519211 (cited by Labcorp Genetics (formerly Invitae), Labcorp); PubMed 31742715 (cited by Labcorp Genetics (formerly Invitae), Labcorp).